The following is an entry in ClinVar:

NM_003737.4(DCHS1):c.6520C>T (p.Pro2174Ser)

Gene: DCHS1 (dachsous cadherin-related 1; minus strand). Cytogenetic location: 11p15.4.
Variant type: single nucleotide variant.
Coding change: c.6520C>T on transcript NM_003737.4 (MANE Select); coding-DNA position 6520, C replaced by T.
Protein change: p.Pro2174Ser; replaces proline 2174 with serine.
Molecular consequence: missense variant.
Genome position (GRCh38, 1-based): chr11:6,626,225, G>A on the plus strand (C>T on the coding strand, the complement: DCHS1 is on the minus strand). VCF-style: chr11-6626225-G-A. GRCh37 (hg19) VCF-style: chr11-6647456-G-A.
Other names: short protein forms P2174S.
Identifiers: ClinVar variation 2315289 (VCV002315289.4), dbSNP rs2493816576, ClinGen allele CA379387957.

ClinVar aggregate classification (germline): Uncertain significance. Review status: criteria provided, multiple submitters, no conflicts (2 of 4 stars). 2 submissions from 2 submitters: Uncertain significance (2). Last evaluated 2024-11-27.

Conditions:
Inborn genetic diseases. Identifiers: MedGen C0950123, MeSH D030342.

Allele frequency attached by ClinVar (database versions not stated): gnomAD exomes below 0.00001.
gnomAD v4.1: 2 of 1,611,780 alleles (0.00012%); highest among the groups gnomAD compares: South Asian, 0.0022%; no homozygotes.

Submissions (2):

Labcorp Genetics (formerly Invitae), Labcorp
Classification: Uncertain significance. Last evaluated: 2024-11-27. Review status: criteria provided, single submitter. Criteria: Invitae Variant Classification Sherloc (09022015). Collection method: clinical testing. Allele origin: germline.
Comment: This sequence change replaces proline, which is neutral and non-polar, with serine, which is neutral and polar, at codon 2174 of the DCHS1 protein (p.Pro2174Ser). This variant is not present in population databases (gnomAD no frequency). This variant has not been reported in the literature in individuals affected with DCHS1-related conditions. ClinVar contains an entry for this variant (Variation ID: 2315289). Invitae Evidence Modeling of protein sequence and biophysical properties (such as structural, functional, and spatial information, amino acid conservation, physicochemical variation, residue mobility, and thermodynamic stability) indicates that this missense variant is not expected to disrupt DCHS1 protein function with a negative predictive value of 80%. In summary, the available evidence is currently insufficient to determine the role of this variant in disease. Therefore, it has been classified as a Variant of Uncertain Significance.

Ambry Genetics
Classification: Uncertain significance for Inborn genetic diseases. Last evaluated: 2022-10-03. Review status: criteria provided, single submitter. Criteria: Ambry Variant Classification Scheme 2023. Collection method: clinical testing. Allele origin: germline.